The following is an entry in ClinVar:

ClinVar aggregate classification (germline): Uncertain significance (1 of 4 stars; one submission).

Conditions:
Muscular dystrophy-dystroglycanopathy (congenital with brain and eye anomalies), type A13. Also called: WALKER-WARBURG SYNDROME OR MUSCLE-EYE-BRAIN DISEASE, B3GNT1-RELATED; Muscular dystrophy-dystroglycanopathy (congenital with brain and eye anomalies), type a, 13. Identifiers: Orphanet 899, MedGen C3809042, MONDO:0014120, OMIM 615287.

Allele frequency attached by ClinVar (database versions not stated): gnomAD exomes below 0.00001.
gnomAD v4.1: 1 of 1,613,922 alleles (0.000062%); highest among the groups gnomAD compares: Admixed American, 0.0017%; no homozygotes.

Submission:

Labcorp Genetics (formerly Invitae), Labcorp
Classification: Uncertain significance for Muscular dystrophy-dystroglycanopathy (congenital with brain and eye anomalies), type A13. Last evaluated: 2020-01-31. Review status: criteria provided, single submitter. Criteria: Invitae Variant Classification Sherloc (09022015). Collection method: clinical testing. Allele origin: germline.
Comment: This sequence change replaces aspartic acid with asparagine at codon 227 of the B4GAT1 protein (p.Asp227Asn). The aspartic acid residue is highly conserved and there is a small physicochemical difference between aspartic acid and asparagine. This variant is not present in population databases (ExAC no frequency). This variant has not been reported in the literature in individuals with B4GAT1-related conditions. Algorithms developed to predict the effect of missense changes on protein structure and function are either unavailable or do not agree on the potential impact of this missense change (SIFT: "Deleterious"; PolyPhen-2: "Probably Damaging"; Align-GVGD: "Class C15"). In summary, the available evidence is currently insufficient to determine the role of this variant in disease. Therefore, it has been classified as a Variant of Uncertain Significance.

NM_006876.3(B4GAT1):c.679G>A (p.Asp227Asn)

Gene: B4GAT1 (beta-1,4-glucuronyltransferase 1; minus strand). Cytogenetic location: 11q13.2.
Variant type: single nucleotide variant.
Coding change: c.679G>A on transcript NM_006876.3 (MANE Select); coding-DNA position 679, G replaced by A.
Protein change: p.Asp227Asn; replaces aspartic acid 227 with asparagine.
Molecular consequence: missense variant.
Genome position (GRCh38, 1-based): chr11:66,346,867, C>T on the plus strand (G>A on the coding strand, the complement: B4GAT1 is on the minus strand). VCF-style: chr11-66346867-C-T. GRCh37 (hg19) VCF-style: chr11-66114338-C-T.
Other names: short protein forms D227N.
Identifiers: ClinVar variation 1057113 (VCV001057113.9), dbSNP rs1288080924, ClinGen allele CA381417891.